The following is an entry in ClinVar:

NM_000081.4(LYST):c.5612T>C (p.Ile1871Thr)

Gene: LYST (lysosomal trafficking regulator; minus strand). Cytogenetic location: 1q42.3.
Variant type: single nucleotide variant.
Coding change: c.5612T>C on transcript NM_000081.4 (MANE Select); coding-DNA position 5612, T replaced by C.
Protein change: p.Ile1871Thr; replaces isoleucine 1871 with threonine.
Molecular consequence: missense variant.
Genome position (GRCh38, 1-based): chr1:235,774,935, A>G on the plus strand (T>C on the coding strand, the complement: LYST is on the minus strand). VCF-style: chr1-235774935-A-G. GRCh37 (hg19) VCF-style: chr1-235938235-A-G.
Other names: c.5612T>C, p.Ile1871Thr (NM_001301365.1); short protein forms I1871T.
Identifiers: ClinVar variation 1119664 (VCV001119664.13), dbSNP rs559869925, ClinGen allele CA1466589.

ClinVar aggregate classification (germline): Conflicting classifications of pathogenicity. Review status: criteria provided, conflicting classifications (1 of 4 stars). 3 submissions from 3 submitters: Uncertain significance (2); Likely benign (1). Last evaluated 2026-01-28.

Conditions:
Autoinflammatory syndrome. Identifiers: Orphanet 93665, MedGen C3890737, MONDO:0019751.
Chédiak-Higashi syndrome (CHS). Also called: Chediak-Higashi Syndrome. Identifiers: Orphanet 167, MedGen C0007965, MONDO:0008963, OMIM 214500.

Allele frequency attached by ClinVar (database versions not stated): gnomAD 0.00006 and 0.00025; TOPMed 0.00008; gnomAD exomes 0.00031 and 0.00056; ExAC 0.00067; 1000 Genomes Project 30x 0.00109; 1000 Genomes Project 0.00120.
gnomAD v4.1: 487 of 1,609,492 alleles (0.03%); highest among the groups gnomAD compares: South Asian, 0.49%; 7 homozygotes.

Submissions (3):

Labcorp Genetics (formerly Invitae), Labcorp
Classification: Likely benign for Chédiak-Higashi syndrome. Last evaluated: 2026-01-28. Review status: criteria provided, single submitter. Criteria: Invitae Variant Classification Sherloc (09022015). Collection method: clinical testing. Allele origin: germline.

Genome Diagnostics Laboratory, The Hospital for Sick Children
Classification: Uncertain significance for Autoinflammatory syndrome. Last evaluated: 2020-02-01. Review status: criteria provided, single submitter. Criteria: ACMG Guidelines, 2015. Collection method: clinical testing. Allele origin: germline. Affected: yes.

GeneDx
Classification: Uncertain significance. Last evaluated: 2019-04-04. Review status: criteria provided, single submitter. Criteria: GeneDx Variant Classification Process June 2021. Collection method: clinical testing. Allele origin: germline. Affected: yes.
Comment: In silico analysis, which includes protein predictors and evolutionary conservation, supports that this variant does not alter protein structure/function; Has not been previously published as pathogenic or benign to our knowledge